The following is an entry in ClinVar:

ClinVar aggregate classification (germline): Conflicting classifications of pathogenicity. Review status: criteria provided, conflicting classifications (1 of 4 stars). 13 submissions from 13 submitters: Uncertain significance (6); Likely benign (6). 1 of the submissions does not count toward it. Last evaluated 2026-05-07.

Conditions:
ATM-related disorder. Also called: ATM-related disorders; ATM-related condition.
Familial pancreatic carcinoma. Identifiers: Orphanet 1333, MedGen C2931038, MONDO:0015278, OMIM 260350.
Hereditary cancer-predisposing syndrome. Also called: Tumor predisposition; Neoplastic Syndromes, Hereditary; Hereditary neoplastic syndrome; Hereditary Cancer Syndrome. Identifiers: Orphanet 140162, MedGen C0027672, MeSH D009386, MONDO:0015356.
Hereditary breast ovarian cancer syndrome. Also called: Hereditary breast and ovarian cancer syndrome; Hereditary breast and ovarian cancer; Hereditary breast and ovarian cancer syndrome (HBOC); Hereditary breast and/or ovarian cancer syndrome; BRCA1- and BRCA2-Associated Hereditary Breast and Ovarian Cancer; Breast and ovarian cancer. Identifiers: Orphanet 145, MedGen C0677776, MeSH D061325, MONDO:0003582. Disease mechanism: loss of function.
Ataxia-telangiectasia syndrome (AT). Also called: Ataxia-telangiectasia, complementation group D; AT, COMPLEMENTATION GROUP C; Cerebello-oculocutaneous telangiectasia; Immunodeficiency with ataxia telangiectasia; ATAXIA-TELANGIECTASIA, COMPLEMENTATION GROUP A; ATAXIA-TELANGIECTASIA, FRESNO VARIANT. Identifiers: Orphanet 100, MedGen C0004135, MONDO:0008840, OMIM 208900.

Allele frequency attached by ClinVar (database versions not stated): gnomAD 0.00001; gnomAD exomes 0.00001 and 0.00002; TOPMed 0.00001; ExAC 0.00002.

Submissions (13):

PreventionGenetics, part of Exact Sciences
Classification: Likely benign for ATM-related condition. Last evaluated: 2026-05-07. Review status: criteria provided, single submitter. Criteria: ACMG Guidelines, 2015. Collection method: clinical testing. Allele origin: germline.
Comment: This variant is classified as likely benign based on ACMG/AMP sequence variant interpretation guidelines (Richards et al. 2015 PMID: 25741868, with internal and published modifications).

Center for Genomic Medicine, Rigshospitalet, Copenhagen University Hospital
Classification: Uncertain significance. Last evaluated: 2025-12-29. Review status: criteria provided, single submitter. Criteria: ACMG Guidelines, 2015. Collection method: clinical testing. Allele origin: germline.
Comment: Classification criteria: BP4

Labcorp Genetics (formerly Invitae), Labcorp
Classification: Likely benign for Ataxia-telangiectasia syndrome. Last evaluated: 2025-11-10. Review status: criteria provided, single submitter. Criteria: Invitae Variant Classification Sherloc (09022015). Collection method: clinical testing. Allele origin: germline.

Quest Diagnostics Nichols Institute San Juan Capistrano
Classification: Uncertain significance. Last evaluated: 2025-03-04. Review status: criteria provided, single submitter. Criteria: Quest Diagnostics criteria. Collection method: clinical testing. Allele origin: unknown.

Blueprint Genetics
Classification: Likely benign. Last evaluated: 2024-08-29. Review status: criteria provided, single submitter. Criteria: ACMG Guidelines, 2015. Collection method: clinical testing. Allele origin: germline.

Women's Health and Genetics/Laboratory Corporation of America, LabCorp
Classification: Likely benign. Last evaluated: 2024-01-22. Review status: criteria provided, single submitter. Criteria: LabCorp Variant Classification Summary - May 2015. Collection method: clinical testing. Allele origin: germline.
Comment: Variant summary: ATM c.5488A>G (p.Met1830Val) results in a conservative amino acid change in the encoded protein sequence. Five of five in-silico tools predict a benign effect of the variant on protein function. The variant allele was found at a frequency of 1.2e-05 in 250794 control chromosomes. The available data on variant occurrences in the general population are insufficient to allow any conclusion about variant significance. To our knowledge, no occurrence of c.5488A>G in individuals affected with Ataxia-Telangiectasia/ATM-related cancers and no experimental evidence demonstrating its impact on protein function have been reported. At-least one co-occurrence with another pathogenic variant has been observed at our laboratory (MSH6 c.1767del , p.Pro591fs), providing supporting evidence for a benign role. ClinVar contains an entry for this variant (Variation ID: 141271). Based on the evidence outlined above, the variant was classified as likely benign.

GeneDx
Classification: Uncertain significance. Last evaluated: 2023-03-22. Review status: criteria provided, single submitter. Criteria: GeneDx Variant Classification Process June 2021. Collection method: clinical testing. Allele origin: germline. Affected: yes.
Comment: Not observed at significant frequency in large population cohorts (gnomAD); In silico analysis supports that this missense variant does not alter protein structure/function; Observed in individuals with breast cancer, but also in controls (Momozawa et al., 2018; Yehia et al., 2018); This variant is associated with the following publications: (PMID: 27034805, 26667234, 29684080, 30287823, 32566746)

Institute for Clinical Genetics, University Hospital TU Dresden, University Hospital TU Dresden
Classification: Uncertain significance. Last evaluated: 2021-11-03. Review status: criteria provided, single submitter. Criteria: ACMG Guidelines, 2015. Collection method: clinical testing. Allele origin: germline.

Athena Diagnostics
Classification: Uncertain significance. Last evaluated: 2019-05-17. Review status: criteria provided, single submitter. Criteria: Athena Diagnostics Criteria. Collection method: clinical testing. Allele origin: germline.

Cancer Genomics Group, Japanese Foundation For Cancer Research
Classification: Uncertain significance for Hereditary breast and ovarian cancer syndrome. Last evaluated: 2019-05-01. Review status: criteria provided, single submitter. Criteria: ACMG Guidelines, 2015. Collection method: research. Allele origin: germline. Affected: yes.

Ambry Genetics
Classification: Likely benign for Hereditary cancer-predisposing syndrome. Last evaluated: 2018-11-23. Review status: criteria provided, single submitter. Criteria: Ambry Variant Classification Scheme 2023. Collection method: clinical testing. Allele origin: germline.

Color Diagnostics, LLC DBA Color Health
Classification: Likely benign for Hereditary cancer-predisposing syndrome. Last evaluated: 2016-01-04. Review status: criteria provided, single submitter. Criteria: ACMG Guidelines, 2015. Collection method: clinical testing. Allele origin: germline.

Department of Pathology and Laboratory Medicine, Sinai Health System
Classification: Uncertain significance for Familial pancreatic carcinoma. Review status: no assertion criteria provided. Collection method: clinical testing. Allele origin: unknown. Affected: yes. Study: The Canadian Open Genetics Repository (COGR). Not counted in ClinVar's aggregate classification.
Comment: The ATM p.Met1830Val variant was identified in 8 of 21,054 proband chromosomes (frequency: 0.0004) from individuals with breast and pancreatic cancer and was present in 13 of 47,462 control chromosomes (frequency: 0.0003) from healthy individuals (Momozawa 2018, Yehia 2018). The variant was identified in dbSNP (rs587781622) as â€šÃ„Ãºwith uncertain significance alleleâ€šÃ„Ã¹, ClinVar (interpreted as "uncertain significance" by Invitae and 2 others, "likely benign" by Ambry Genetics and 1 other) and LOVD 3.0 (observed 3x). The variant was identified in control databases in 3 of 245578 chromosomes at a frequency of 0.00001 (Genome Aggregation Database Feb 27, 2017). The variant was observed in the following populations: Other in 1 of 5470 chromosomes (freq: 0.0002), European in 1 of 111,200 chromosomes (freq: 0.000009), East Asian in 1 of 17,234 chromosomes (freq: 0.00006), while the variant was not observed in the African, Latino, Ashkenazi Jewish, Finnish, and South Asian populations. The p.Met1830 residue is not conserved in mammals and computational analyses (PolyPhen-2, SIFT, AlignGVGD, BLOSUM, MutationTaster) do not suggest a high likelihood of impact to the protein; however, this information is not predictive enough to rule out pathogenicity. The variant occurs outside of the splicing consensus sequence and in silico or computational prediction software programs (SpliceSiteFinder, MaxEntScan, NNSPLICE, GeneSplicer) do not predict a difference in splicing. In summary, based on the above information the clinical significance of this variant cannot be determined with certainty at this time. This variant is classified as a variant of uncertain significance.

Literature cited by the submitters: PubMed 27034805 (cited by Women's Health and Genetics/Laboratory Corporation of America, LabCorp); PubMed 26667234 (cited by Women's Health and Genetics/Laboratory Corporation of America, LabCorp).

NM_000051.4(ATM):c.5488A>G (p.Met1830Val)

Gene: ATM (ATM serine/threonine kinase; plus strand). Cytogenetic location: 11q22.3.
Variant type: single nucleotide variant.
Coding change: c.5488A>G on transcript NM_000051.4 (MANE Select); coding-DNA position 5488, A replaced by G.
Protein change: p.Met1830Val; replaces methionine 1830 with valine.
Molecular consequence: missense variant.
Genome position (GRCh38, 1-based): chr11:108,303,021, A>G. VCF-style: chr11-108303021-A-G. GRCh37 (hg19) VCF-style: chr11-108173748-A-G.
Other names: c.5488A>G, p.Met1830Val (NM_001351834.2); short protein forms M1830V.
Identifiers: ClinVar variation 141271 (VCV000141271.35), dbSNP rs587781622, ClinGen allele CA164960.